The following is an entry in ClinVar:

NM_058004.4(PI4KA):c.911T>A (p.Ile304Asn)

Gene: PI4KA (phosphatidylinositol 4-kinase alpha; minus strand). Cytogenetic location: 22q11.21.
Variant type: single nucleotide variant.
Coding change: c.911T>A on transcript NM_058004.4 (MANE Select); coding-DNA position 911, T replaced by A.
Protein change: p.Ile304Asn; replaces isoleucine 304 with asparagine.
Molecular consequence: missense variant.
Genome position (GRCh38, 1-based): chr22:20,813,452, A>T on the plus strand (T>A on the coding strand, the complement: PI4KA is on the minus strand). VCF-style: chr22-20813452-A-T. GRCh37 (hg19) VCF-style: chr22-21167740-A-T.
Other names: c.911T>A, p.Ile304Asn (NM_001362862.2, NM_001362863.2); short protein forms I304N.
Identifiers: ClinVar variation 1699239 (VCV001699239.3), dbSNP rs752196534, ClinGen allele CA10116646.

ClinVar aggregate classification (germline): Uncertain significance (1 of 4 stars; one submission).

Conditions:
Polymicrogyria, perisylvian, with cerebellar hypoplasia and arthrogryposis (NEDSPLB). Identifiers: MedGen C4225295, MONDO:0014679, OMIM 616531.

Allele frequency attached by ClinVar (database versions not stated): gnomAD exomes below 0.00001; ExAC 0.00001.
gnomAD v4.1: 4 of 1,613,924 alleles (0.00025%); highest among the groups gnomAD compares: South Asian, 0.0044%; no homozygotes.

Submission:

Victorian Clinical Genetics Services, Murdoch Childrens Research Institute
Classification: Uncertain significance for Polymicrogyria, perisylvian, with cerebellar hypoplasia and arthrogryposis. Last evaluated: 2022-06-24. Review status: criteria provided, single submitter. Criteria: ACMG Guidelines, 2015. Collection method: clinical testing. Allele origin: germline. Inheritance: Autosomal recessive inheritance.
Comment: Based on the classification scheme VCGS_Germline_v1.3.4, this variant is classified as VUS-3C. Following criteria are met: 0102 - Loss of function is a known mechanism of disease in this gene and is associated with polymicrogyria, perisylvian, with cerebellar hypoplasia and arthrogryposis (MIM#616531), gastrointestinal defects and immunodeficiency syndrome 2 (MIM#619708) and spastic paraplegia 84 (MIM#619621). (I) 0106 - This gene is associated with autosomal recessive disease. (I) 0200 - Variant is predicted to result in a missense amino acid change from isoleucine to asparagine. (I) 0252 - This variant is homozygous. (I) 0304 - Variant is present in gnomAD (v2) <0.01 for a recessive condition (1 heterozygote, 0 homozygotes). (SP) 0309 - An alternative amino acid change at the same position has been observed in gnomAD (v3) (2 heterozygotes, 0 homozygotes). (I) 0503 - Missense variant consistently predicted to be tolerated by multiple in silico tools or not conserved in placental mammals with a minor amino acid change. (SB) 0604 - Variant is not located in an established domain, motif, hotspot or informative constraint region. (I) 0705 - No comparable missense variants have previous evidence for pathogenicity. (I) 0807 - This variant has no previous evidence of pathogenicity. (I) 0905 - No published segregation evidence has been identified for this variant. (I) 1007 - No published functional evidence has been identified for this variant. (I) 1209 - This variant has been shown to be both maternally and paternally inherited (biallelic, by trio analysis). (I) Legend: (SP) - Supporting pathogenic, (I) - Information, (SB) - Supporting benign